The following is an entry in ClinVar:

ClinVar aggregate classification (germline): Pathogenic. Review status: criteria provided, multiple submitters, no conflicts (2 of 4 stars). 2 submissions from 2 submitters: Pathogenic (2). Last evaluated 2023-10-05.

Conditions:
Pontocerebellar hypoplasia type 1B. Also called: EXOSC3 Pontocerebellar Hypoplasia. Identifiers: Orphanet 2254, MedGen C3553449, MONDO:0013853, OMIM 614678.

Submissions (2):

Labcorp Genetics (formerly Invitae), Labcorp
Classification: Pathogenic for Pontocerebellar hypoplasia type 1B. Last evaluated: 2023-10-05. Review status: criteria provided, single submitter. Criteria: Invitae Variant Classification Sherloc (09022015). Collection method: clinical testing. Allele origin: germline.
Comment: This sequence change creates a premature translational stop signal (p.Glu38Asnfs*16) in the EXOSC3 gene. It is expected to result in an absent or disrupted protein product. Loss-of-function variants in EXOSC3 are known to be pathogenic (PMID: 22544365, 23284067, 24524299). This variant is present in population databases (rs587780333, gnomAD 0.002%). This variant has not been reported in the literature in individuals affected with EXOSC3-related conditions. ClinVar contains an entry for this variant (Variation ID: 129023). For these reasons, this variant has been classified as Pathogenic.

Genetic Services Laboratory, University of Chicago
Classification: Pathogenic for Pontocerebellar hypoplasia, type 1B. Last evaluated: 2013-12-23. Review status: criteria provided, single submitter. Criteria: ACMG Guidelines, 2007. Collection method: clinical testing. Allele origin: germline. Inheritance: Autosomal recessive inheritance. Affected: yes.

Literature cited by the submitters: PubMed 22544365 (cited by Labcorp Genetics (formerly Invitae), Labcorp); PubMed 23284067 (cited by Labcorp Genetics (formerly Invitae), Labcorp); PubMed 24524299 (cited by Labcorp Genetics (formerly Invitae), Labcorp).

NM_016042.4(EXOSC3):c.112del (p.Glu38fs)

Gene: EXOSC3 (exosome component 3; minus strand). Cytogenetic location: 9p13.2.
Variant type: Deletion.
Coding change: c.112del on transcript NM_016042.4 (MANE Select); coding-DNA position 112, one base deleted (G; older notation c.112delG).
Protein change: p.Glu38fs; shifts the reading frame from glutamic acid 38.
Molecular consequence: frameshift variant.
Genome position (GRCh38, 1-based): chr9:37,784,933, C deleted on the plus strand (G on the coding strand, the reverse complement: EXOSC3 is on the minus strand); the first of 2 consecutive C bases (chr9:37,784,933-37,784,934); deleting either gives the same sequence. VCF-style (leftmost placement, unchanged base first): chr9-37784932-TC-T. GRCh37 (hg19) VCF-style: chr9-37784929-TC-T.
Other names: c.112del, p.Glu38fs (NM_001002269.2); short protein forms E38fs.
Identifiers: ClinVar variation 129023 (VCV000129023.9), dbSNP rs587780333, ClinGen allele CA269779.